The following is an entry in ClinVar:

NM_006073.4(TRDN):c.157G>A (p.Val53Ile)

Gene: TRDN (triadin; minus strand). Cytogenetic location: 6q22.31.
Variant type: single nucleotide variant.
Coding change: c.157G>A on transcript NM_006073.4 (MANE Select); coding-DNA position 157, G replaced by A.
Protein change: p.Val53Ile; replaces valine 53 with isoleucine.
Molecular consequence: missense variant.
Genome position (GRCh38, 1-based): chr6:123,570,998, C>T on the plus strand (G>A on the coding strand, the complement: TRDN is on the minus strand). VCF-style: chr6-123570998-C-T. GRCh37 (hg19) VCF-style: chr6-123892143-C-T.
Other names: c.157G>A, p.Val53Ile (NM_001251987.2, NM_001256020.2, NM_001256021.2 and 2 more transcripts); short protein forms V53I.
Identifiers: ClinVar variation 1903255 (VCV001903255.5), dbSNP rs760122691, ClinGen allele CA147302754.

ClinVar aggregate classification (germline): Uncertain significance (1 of 4 stars; one submission).

Conditions:
Catecholaminergic polymorphic ventricular tachycardia 1. Also called: RYR2-Related Catecholaminergic Polymorphic Ventricular Tachycardia; VENTRICULAR TACHYCARDIA, STRESS-INDUCED POLYMORPHIC 1; VENTRICULAR TACHYCARDIA, CATECHOLAMINERGIC POLYMORPHIC, 1, WITH OR WITHOUT ATRIAL DYSFUNCTION AND/OR DILATED CARDIOMYOPATHY. Identifiers: Orphanet 3286, MedGen C1631597, MONDO:0011484, OMIM 604772.

Submission:

Labcorp Genetics (formerly Invitae), Labcorp
Classification: Uncertain significance for Catecholaminergic polymorphic ventricular tachycardia 1. Last evaluated: 2022-08-22. Review status: criteria provided, single submitter. Criteria: Invitae Variant Classification Sherloc (09022015). Collection method: clinical testing. Allele origin: germline.
Comment: In summary, the available evidence is currently insufficient to determine the role of this variant in disease. Therefore, it has been classified as a Variant of Uncertain Significance. Algorithms developed to predict the effect of missense changes on protein structure and function are either unavailable or do not agree on the potential impact of this missense change (SIFT: "Deleterious"; PolyPhen-2: "Possibly Damaging"; Align-GVGD: "Class C0"). This variant has not been reported in the literature in individuals affected with TRDN-related conditions. This variant is not present in population databases (gnomAD no frequency). This sequence change replaces valine, which is neutral and non-polar, with isoleucine, which is neutral and non-polar, at codon 53 of the TRDN protein (p.Val53Ile).